The following is an entry in ClinVar:

ClinVar aggregate classification (germline): Uncertain significance. Review status: criteria provided, multiple submitters, no conflicts (2 of 4 stars). 2 submissions from 2 submitters: Uncertain significance (2). Last evaluated 2025-03-27.

Conditions:
Inborn genetic diseases. Identifiers: MedGen C0950123, MeSH D030342.

Allele frequency attached by ClinVar (database versions not stated): ExAC 0.00001; gnomAD exomes 0.00001; gnomAD 0.00007; TOPMed 0.00008; ESP Exome Variant Server 0.00024.
gnomAD v4.1: 21 of 1,613,568 alleles (0.0013%); highest among the groups gnomAD compares: African/African-American, 0.025%; no homozygotes.

Submissions (2):

Ambry Genetics
Classification: Uncertain significance for Inborn genetic diseases. Last evaluated: 2025-03-27. Review status: criteria provided, single submitter. Criteria: Ambry Variant Classification Scheme 2023. Collection method: clinical testing. Allele origin: germline.

Labcorp Genetics (formerly Invitae), Labcorp
Classification: Uncertain significance. Last evaluated: 2021-10-08. Review status: criteria provided, single submitter. Criteria: Invitae Variant Classification Sherloc (09022015). Collection method: clinical testing. Allele origin: germline.
Comment: This sequence change replaces glycine with valine at codon 32 of the PRCD protein (p.Gly32Val). The glycine residue is highly conserved and there is a moderate physicochemical difference between glycine and valine. This variant is present in population databases (rs374419323, ExAC 0.01%). This variant has not been reported in the literature in individuals affected with PRCD-related conditions. Algorithms developed to predict the effect of missense changes on protein structure and function (SIFT, PolyPhen-2, Align-GVGD) all suggest that this variant is likely to be disruptive. In summary, the available evidence is currently insufficient to determine the role of this variant in disease. Therefore, it has been classified as a Variant of Uncertain Significance.

NM_001077620.3(PRCD):c.95G>T (p.Gly32Val)

Genes: CYGB (cytoglobin; minus strand), PRCD (photoreceptor disc component; plus strand). Cytogenetic location: 17q25.1.
Variant type: single nucleotide variant.
Coding change: c.95G>T on transcript NM_001077620.3 (MANE Select); coding-DNA position 95, G replaced by T.
Protein change: p.Gly32Val; replaces glycine 32 with valine.
Molecular consequence: missense variant. On other transcripts: non-coding transcript variant (1).
Genome position (GRCh38, 1-based): chr17:76,540,525, G>T. VCF-style: chr17-76540525-G-T. GRCh37 (hg19) VCF-style: chr17-74536607-G-T.
Other names: c.95G>T (NM_001077620.2); short protein forms G32V.
Identifiers: ClinVar variation 1522543 (VCV001522543.4), dbSNP rs374419323, ClinGen allele CA8787910.
Genomic context (GRCh38, chr17:76,540,525, plus strand): 5'-CACAGCCATAGCTCTTCCTCCCTACTCTTGCCTCCCACAGAGAGCCCAGCGACGTGGATG[G>T]GGCAGCTAGGGGCAGCAGCTTGGATGCGGACCCTCAGTCCTCAGGCAGGTAAGGCAGGAG-3'
Protein context (NP_001071088.1, residues 22-42): RVQPEPSDVD[Gly32Val]AARGSSLDAD